The following is an entry in ClinVar:

NM_004104.5(FASN):c.7491C>A (p.Ile2497=)

Gene: FASN (fatty acid synthase; minus strand). Cytogenetic location: 17q25.3.
Variant type: single nucleotide variant.
Coding change: c.7491C>A on transcript NM_004104.5 (MANE Select); coding-DNA position 7491, C replaced by A.
Protein change: p.Ile2497=; no amino-acid change (isoleucine 2497 retained).
Molecular consequence: synonymous variant.
Genome position (GRCh38, 1-based): chr17:82,079,188, G>T on the plus strand (C>A on the coding strand, the complement: FASN is on the minus strand). VCF-style: chr17-82079188-G-T. GRCh37 (hg19) VCF-style: chr17-80037064-G-T.
Identifiers: ClinVar variation 531118 (VCV000531118.13), dbSNP rs146832319, ClinGen allele CA8850978.

ClinVar aggregate classification (germline): Likely benign. Review status: criteria provided, single submitter (1 of 4 stars). 2 submissions from 2 submitters: Likely benign (1). 1 of the submissions does not count toward it. Last evaluated 2025-12-22.

Conditions:
Epileptic encephalopathy. Identifiers: MedGen C0543888, HP:0200134.
FASN-related disorder. Also called: FASN-related condition.

Allele frequency attached by ClinVar (database versions not stated): ExAC 0.00006; gnomAD exomes 0.00007 and 0.00018; TOPMed 0.00007; ESP Exome Variant Server 0.00008; gnomAD 0.00011; 1000 Genomes Project 30x 0.00016; 1000 Genomes Project 0.00020.
gnomAD v4.1: 284 of 1,612,892 alleles (0.018%); highest among the groups gnomAD compares: Non-Finnish European, 0.023%; no homozygotes.

Submissions (2):

Labcorp Genetics (formerly Invitae), Labcorp
Classification: Likely benign for Epileptic encephalopathy. Last evaluated: 2025-12-22. Review status: criteria provided, single submitter. Criteria: Invitae Variant Classification Sherloc (09022015). Collection method: clinical testing. Allele origin: germline.

PreventionGenetics, part of Exact Sciences
Classification: Likely benign for FASN-related condition. Last evaluated: 2019-12-23. Review status: no assertion criteria provided. Collection method: clinical testing. Allele origin: germline. Not counted in ClinVar's aggregate classification.
Comment: This variant is classified as likely benign based on ACMG/AMP sequence variant interpretation guidelines (Richards et al. 2015 PMID: 25741868, with internal and published modifications).